The following is an entry in ClinVar:

ClinVar aggregate classification (germline): Uncertain significance (1 of 4 stars; one submission).

Conditions:
Emery-Dreifuss muscular dystrophy 4, autosomal dominant (EDMD4). Also called: EMERY-DREIFUSS MUSCULAR DYSTROPHY 4 WITH VARIABLE FEATURES. Identifiers: Orphanet 261, MedGen C2751807, MONDO:0013071, OMIM 612998.
Autosomal recessive ataxia, Beauce type. Also called: SYNE1-Related Autosomal Recessive Cerebellar Ataxia; Spinocerebellar ataxia, autosomal recessive 8; ATAXIA, RECESSIVE, OF BEAUCE; SYNE1 Deficiency. Identifiers: Orphanet 88644, MedGen C1853116, MONDO:0012549, OMIM 610743.

Allele frequency attached by ClinVar (database versions not stated): gnomAD exomes 0.00001 and 0.00002; TOPMed 0.00001; ExAC 0.00002; gnomAD 0.00003; ESP Exome Variant Server 0.00008.
gnomAD v4.1: 27 of 1,613,278 alleles (0.0017%); highest among the groups gnomAD compares: South Asian, 0.0033%; no homozygotes.

Submission:

Labcorp Genetics (formerly Invitae), Labcorp
Classification: Uncertain significance for Emery-Dreifuss muscular dystrophy 4, autosomal dominant; Autosomal recessive ataxia, Beauce type. Last evaluated: 2022-08-16. Review status: criteria provided, single submitter. Criteria: Invitae Variant Classification Sherloc (09022015). Collection method: clinical testing. Allele origin: germline.
Comment: This sequence change replaces lysine, which is basic and polar, with arginine, which is basic and polar, at codon 7790 of the SYNE1 protein (p.Lys7790Arg). This variant is present in population databases (rs371656793, gnomAD 0.005%). This variant has not been reported in the literature in individuals affected with SYNE1-related conditions. ClinVar contains an entry for this variant (Variation ID: 1367876). Algorithms developed to predict the effect of missense changes on protein structure and function output the following: SIFT: "Tolerated"; PolyPhen-2: "Benign"; Align-GVGD: "Class C0". The arginine amino acid residue is found in multiple mammalian species, which suggests that this missense change does not adversely affect protein function. In summary, the available evidence is currently insufficient to determine the role of this variant in disease. Therefore, it has been classified as a Variant of Uncertain Significance.

NM_182961.4(SYNE1):c.23582A>G (p.Lys7861Arg)

Gene: SYNE1 (spectrin repeat containing nuclear envelope protein 1; minus strand). Cytogenetic location: 6q25.2.
Variant type: single nucleotide variant.
Coding change: c.23582A>G on transcript NM_182961.4 (MANE Select); coding-DNA position 23582, A replaced by G.
Protein change: p.Lys7861Arg; replaces lysine 7861 with arginine.
Molecular consequence: missense variant.
Genome position (GRCh38, 1-based): chr6:152,176,439, T>C on the plus strand (A>G on the coding strand, the complement: SYNE1 is on the minus strand). VCF-style: chr6-152176439-T-C. GRCh37 (hg19) VCF-style: chr6-152497574-T-C.
Other names: c.188A>G, p.Lys63Arg (NM_001347701.2); c.23369A>G, p.Lys7790Arg (NM_033071.5); short protein forms K7790R, K63R, K7861R.
Identifiers: ClinVar variation 1367876 (VCV001367876.8), dbSNP rs371656793, ClinGen allele CA4053566.